The following is an entry in ClinVar:

ClinVar aggregate classification (germline): Uncertain significance (1 of 4 stars; one submission).

Submission:

Labcorp Genetics (formerly Invitae), Labcorp
Classification: Uncertain significance. Last evaluated: 2024-08-08. Review status: criteria provided, single submitter. Criteria: Invitae Variant Classification Sherloc (09022015). Collection method: clinical testing. Allele origin: germline.
Comment: This sequence change creates a premature translational stop signal (p.Ser56Asnfs*7) in the TNNI3K gene. It is expected to result in an absent or disrupted protein product. However, the current clinical and genetic evidence is not sufficient to establish whether loss-of-function variants in TNNI3K cause disease. This variant is not present in population databases (gnomAD no frequency). This variant has not been reported in the literature in individuals affected with TNNI3K-related conditions. ClinVar contains an entry for this variant (Variation ID: 2090584). In summary, the available evidence is currently insufficient to determine the role of this variant in disease. Therefore, it has been classified as a Variant of Uncertain Significance.

NM_015978.3(TNNI3K):c.166_167insATTCA (p.Ser56fs)

Genes: FPGT-TNNI3K (FPGT-TNNI3K readthrough; plus strand), TNNI3K (TNNI3 interacting kinase; plus strand). Cytogenetic location: 1p31.1.
Variant type: Insertion.
Coding change: c.166_167insATTCA on transcript NM_015978.3 (MANE Select); coding-DNA positions 166 to 167, ATTCA inserted.
Protein change: p.Ser56fs; shifts the reading frame from serine 56.
Molecular consequence: frameshift variant.
Genome position: GRCh38 VCF-style: chr1-74249471-C-CTTCAA. GRCh37 (hg19) VCF-style: chr1-74715155-C-CTTCAA.
Other names: c.469_470insATTCA, p.Ser157fs (NM_001112808.3, NM_001199327.2); short protein forms S56fs, S157fs.
Identifiers: ClinVar variation 2090584 (VCV002090584.4), dbSNP rs2524363969, ClinGen allele CA2580063223.